The following is an entry in ClinVar:

ClinVar aggregate classification (germline): Uncertain significance. Review status: criteria provided, multiple submitters, no conflicts (2 of 4 stars). 3 submissions from 3 submitters: Uncertain significance (2). 1 of the submissions does not count toward it. Last evaluated 2021-08-30.

Conditions:
Inborn genetic diseases. Identifiers: MedGen C0950123, MeSH D030342.
Autosomal recessive polycystic kidney disease (ARPKD). Also called: AR polycystic kidney disease. Identifiers: Orphanet 731, Orphanet 8378, MedGen C0085548, MeSH D017044, MONDO:0009889.

Allele frequency attached by ClinVar (database versions not stated): gnomAD exomes 0.00001.
gnomAD v4.1: 3 of 1,613,558 alleles (0.00019%); highest among the groups gnomAD compares: Admixed American, 0.0033%; no homozygotes.

Submissions (3):

Labcorp Genetics (formerly Invitae), Labcorp
Classification: Uncertain significance for Autosomal recessive polycystic kidney disease. Last evaluated: 2021-08-30. Review status: criteria provided, single submitter. Criteria: Invitae Variant Classification Sherloc (09022015). Collection method: clinical testing. Allele origin: germline.
Comment: This sequence change replaces threonine with alanine at codon 899 of the PKHD1 protein (p.Thr899Ala). The threonine residue is moderately conserved and there is a small physicochemical difference between threonine and alanine. This variant is not present in population databases (ExAC no frequency). This variant has not been reported in the literature in individuals affected with PKHD1-related conditions. Algorithms developed to predict the effect of missense changes on protein structure and function are either unavailable or do not agree on the potential impact of this missense change (SIFT: "Deleterious"; PolyPhen-2: "Benign"; Align-GVGD: "Class C0"). In summary, the available evidence is currently insufficient to determine the role of this variant in disease. Therefore, it has been classified as a Variant of Uncertain Significance.

Ambry Genetics
Classification: Uncertain significance for Inborn genetic diseases. Last evaluated: 2021-08-23. Review status: criteria provided, single submitter. Criteria: Ambry Variant Classification Scheme 2023. Collection method: clinical testing. Allele origin: germline.

Natera, Inc.
Classification: Uncertain significance for Autosomal recessive polycystic kidney disease. Last evaluated: 2020-02-21. Review status: no assertion criteria provided. Collection method: clinical testing. Allele origin: germline. Not counted in ClinVar's aggregate classification.

NM_138694.4(PKHD1):c.2695A>G (p.Thr899Ala)

Gene: PKHD1 (PKHD1 ciliary IPT domain containing fibrocystin/polyductin; minus strand). Cytogenetic location: 6p12.2.
Variant type: single nucleotide variant.
Coding change: c.2695A>G on transcript NM_138694.4 (MANE Select); coding-DNA position 2695, A replaced by G.
Protein change: p.Thr899Ala; replaces threonine 899 with alanine.
Molecular consequence: missense variant.
Genome position (GRCh38, 1-based): chr6:52,044,986, T>C on the plus strand (A>G on the coding strand, the complement: PKHD1 is on the minus strand). VCF-style: chr6-52044986-T-C. GRCh37 (hg19) VCF-style: chr6-51909784-T-C.
Other names: c.2695A>G, p.Thr899Ala (NM_170724.3); short protein forms T899A.
Identifiers: ClinVar variation 842650 (VCV000842650.13), dbSNP rs922828020, ClinGen allele CA138963424.